The following is an entry in ClinVar:

NM_178526.5(SLC25A42):c.648A>G (p.Arg216=)

Gene: SLC25A42 (solute carrier family 25 member 42; plus strand). Cytogenetic location: 19p13.11.
Variant type: single nucleotide variant.
Coding change: c.648A>G on transcript NM_178526.5 (MANE Select); coding-DNA position 648, A replaced by G.
Protein change: p.Arg216=; no amino-acid change (arginine 216 retained).
Molecular consequence: synonymous variant.
Genome position (GRCh38, 1-based): chr19:19,108,044, A>G. VCF-style: chr19-19108044-A-G. GRCh37 (hg19) VCF-style: chr19-19218853-A-G.
Other names: c.648A>G, p.Arg216= (NM_001321544.2).
Identifiers: ClinVar variation 2022233 (VCV002022233.4), dbSNP rs45546936, ClinGen allele CA506059538.

ClinVar aggregate classification (germline): Uncertain significance (1 of 4 stars; one submission).

Submission:

Labcorp Genetics (formerly Invitae), Labcorp
Classification: Uncertain significance. Last evaluated: 2022-02-11. Review status: criteria provided, single submitter. Criteria: Invitae Variant Classification Sherloc (09022015). Collection method: clinical testing. Allele origin: germline.
Comment: In summary, the available evidence is currently insufficient to determine the role of this variant in disease. Therefore, it has been classified as a Variant of Uncertain Significance. Algorithms developed to predict the effect of sequence changes on RNA splicing suggest that this variant may disrupt the consensus splice site. This variant has not been reported in the literature in individuals affected with SLC25A42-related conditions. This variant is not present in population databases (gnomAD no frequency). This sequence change affects codon 216 of the SLC25A42 mRNA. It is a 'silent' change, meaning that it does not change the encoded amino acid sequence of the SLC25A42 protein. It affects a nucleotide within the consensus splice site.